The following is an entry in ClinVar:

NM_024675.4(PALB2):c.1909C>A (p.Pro637Thr)

Gene: PALB2 (partner and localizer of BRCA2; minus strand). Cytogenetic location: 16p12.2.
Variant type: single nucleotide variant.
Coding change: c.1909C>A on transcript NM_024675.4 (MANE Select); coding-DNA position 1909, C replaced by A.
Protein change: p.Pro637Thr; replaces proline 637 with threonine.
Molecular consequence: missense variant.
Genome position (GRCh38, 1-based): chr16:23,630,245, G>T on the plus strand (C>A on the coding strand, the complement: PALB2 is on the minus strand). VCF-style: chr16-23630245-G-T. GRCh37 (hg19) VCF-style: chr16-23641566-G-T.
Other names: c.1024C>A, p.Pro342Thr (NM_001407308.1, NM_001407309.1, NM_001407310.1 and 5 more transcripts); c.121C>A, p.Pro41Thr (NM_001407312.1, NM_001407313.1); c.1849C>A, p.Pro617Thr (NM_001407296.1); c.1909C>A, p.Pro637Thr (NM_001407297.1, NM_001407298.1, NM_001407299.1 and 3 more transcripts); short protein forms P617T, P41T, P342T, P637T.
Identifiers: ClinVar variation 2100922 (VCV002100922.3), dbSNP rs768248338, ClinGen allele CA7963647.

ClinVar aggregate classification (germline): Uncertain significance (1 of 4 stars; one submission).

Conditions:
Familial cancer of breast. Also called: Hereditary breast cancer; hereditary breast carcinoma; BREAST CANCER, FAMILIAL. Identifiers: Orphanet 227535, MedGen C0346153, MONDO:0016419, OMIM 114480. Disease mechanism: loss of function.

Allele frequency attached by ClinVar (database versions not stated): gnomAD exomes below 0.00001; ExAC 0.00002.
gnomAD v4.1: 4 of 1,614,056 alleles (0.00025%); highest among the groups gnomAD compares: South Asian, 0.0033%; no homozygotes.

Submission:

Labcorp Genetics (formerly Invitae), Labcorp
Classification: Uncertain significance for Familial cancer of breast. Last evaluated: 2022-02-21. Review status: criteria provided, single submitter. Criteria: Invitae Variant Classification Sherloc (09022015). Collection method: clinical testing. Allele origin: germline.
Comment: In summary, the available evidence is currently insufficient to determine the role of this variant in disease. Therefore, it has been classified as a Variant of Uncertain Significance. Algorithms developed to predict the effect of missense changes on protein structure and function (SIFT, PolyPhen-2, Align-GVGD) all suggest that this variant is likely to be tolerated. This variant has not been reported in the literature in individuals affected with PALB2-related conditions. This variant is present in population databases (rs768248338, gnomAD 0.006%). This sequence change replaces proline, which is neutral and non-polar, with threonine, which is neutral and polar, at codon 637 of the PALB2 protein (p.Pro637Thr).